The following is an entry in ClinVar:

NM_005506.4(SCARB2):c.172C>G (p.Leu58Val)

Gene: SCARB2 (scavenger receptor class B member 2; minus strand). Cytogenetic location: 4q21.1.
Variant type: single nucleotide variant.
Coding change: c.172C>G on transcript NM_005506.4 (MANE Select); coding-DNA position 172, C replaced by G.
Protein change: p.Leu58Val; replaces leucine 58 with valine.
Molecular consequence: missense variant.
Genome position (GRCh38, 1-based): chr4:76,195,810, G>C on the plus strand (C>G on the coding strand, the complement: SCARB2 is on the minus strand). VCF-style: chr4-76195810-G-C. GRCh37 (hg19) VCF-style: chr4-77116963-G-C.
Other names: c.172C>G, p.Leu58Val (NM_001204255.2); short protein forms L58V.
Identifiers: ClinVar variation 2061892 (VCV002061892.2), dbSNP rs1051789209, ClinGen allele CA357327650.

ClinVar aggregate classification (germline): Uncertain significance (1 of 4 stars; one submission).

Conditions:
Progressive myoclonic epilepsy. Also called: Familial progressive myoclonic epilepsy; Myoclonic Epilepsies, Progressive; Myoclonus epilepsy; Progressive myoclonus epilepsy. Identifiers: Orphanet 308, Orphanet 98261, MedGen C0751778, MONDO:0020074.

Submission:

Labcorp Genetics (formerly Invitae), Labcorp
Classification: Uncertain significance for Progressive myoclonic epilepsy. Last evaluated: 2023-08-10. Review status: criteria provided, single submitter. Criteria: Invitae Variant Classification Sherloc (09022015). Collection method: clinical testing. Allele origin: germline.
Comment: In summary, the available evidence is currently insufficient to determine the role of this variant in disease. Therefore, it has been classified as a Variant of Uncertain Significance. Advanced modeling of protein sequence and biophysical properties (such as structural, functional, and spatial information, amino acid conservation, physicochemical variation, residue mobility, and thermodynamic stability) performed at Invitae indicates that this missense variant is not expected to disrupt SCARB2 protein function. ClinVar contains an entry for this variant (Variation ID: 2061892). This variant has not been reported in the literature in individuals affected with SCARB2-related conditions. This variant is not present in population databases (gnomAD no frequency). This sequence change replaces leucine, which is neutral and non-polar, with valine, which is neutral and non-polar, at codon 58 of the SCARB2 protein (p.Leu58Val).